The following is an entry in ClinVar:

ClinVar aggregate classification (germline): Uncertain significance (1 of 4 stars; one submission).

Submission:

GeneDx
Classification: Uncertain significance. Last evaluated: 2026-03-02. Review status: criteria provided, single submitter. Criteria: GeneDx Variant Classification Process June 2021. Collection method: clinical testing. Allele origin: germline.
Comment: Not observed at significant frequency in large population cohorts (gnomAD); In silico analysis suggests that this missense variant does not alter protein structure/function; Has not been previously published as pathogenic or benign to our knowledge

NM_022841.7(RFX7):c.3862G>C (p.Glu1288Gln)

Gene: RFX7 (regulatory factor X7; minus strand). Cytogenetic location: 15q21.3.
Variant type: single nucleotide variant.
Coding change: c.3862G>C on transcript NM_022841.7 (MANE Select); coding-DNA position 3862, G replaced by C.
Protein change: p.Glu1288Gln; replaces glutamic acid 1288 with glutamine.
Molecular consequence: missense variant.
Genome position (GRCh38, 1-based): chr15:56,093,866, C>G on the plus strand (G>C on the coding strand, the complement: RFX7 is on the minus strand). VCF-style: chr15-56093866-C-G. GRCh37 (hg19) VCF-style: chr15-56386064-C-G.
Other names: c.3571G>C, p.Glu1191Gln (NM_001368073.2, NM_001368074.1, NM_001370554.1); c.3862G>C, p.Glu1288Gln (NM_001370561.1); short protein forms E1191Q, E1288Q.
Identifiers: ClinVar variation 5008359 (VCV005008359.1).